The following is an entry in ClinVar:

ClinVar aggregate classification (germline): Uncertain significance (1 of 4 stars; one submission).

Conditions:
Pyogenic arthritis-pyoderma gangrenosum-acne syndrome (PAPA). Also called: PAPA SYNDROME; FAMILIAL RECURRENT ARTHRITIS. Identifiers: Orphanet 69126, MedGen C1858361, MONDO:0011462, OMIM 604416.

Submission:

Labcorp Genetics (formerly Invitae), Labcorp
Classification: Uncertain significance for Pyogenic arthritis-pyoderma gangrenosum-acne syndrome. Last evaluated: 2020-04-27. Review status: criteria provided, single submitter. Criteria: Invitae Variant Classification Sherloc (09022015). Collection method: clinical testing. Allele origin: germline.
Comment: Algorithms developed to predict the effect of missense changes on protein structure and function are either unavailable or do not agree on the potential impact of this missense change (SIFT: "Deleterious"; PolyPhen-2: "Possibly Damaging"; Align-GVGD: "Class C0"). In summary, the available evidence is currently insufficient to determine the role of this variant in disease. Therefore, it has been classified as a Variant of Uncertain Significance. This variant has not been reported in the literature in individuals with PSTPIP1-related conditions. This variant is not present in population databases (ExAC no frequency). This sequence change replaces glutamine with proline at codon 115 of the PSTPIP1 protein (p.Gln115Pro). The glutamine residue is highly conserved and there is a moderate physicochemical difference between glutamine and proline.

NM_003978.5(PSTPIP1):c.344A>C (p.Gln115Pro)

Gene: PSTPIP1 (proline-serine-threonine phosphatase interacting protein 1; plus strand). Cytogenetic location: 15q24.3.
Variant type: single nucleotide variant.
Coding change: c.344A>C on transcript NM_003978.5 (MANE Select); coding-DNA position 344, A replaced by C.
Protein change: p.Gln115Pro; replaces glutamine 115 with proline.
Molecular consequence: missense variant. On other transcripts: non-coding transcript variant (1).
Genome position (GRCh38, 1-based): chr15:77,025,594, A>C. VCF-style: chr15-77025594-A-C. GRCh37 (hg19) VCF-style: chr15-77317935-A-C.
Other names: c.344A>C, p.Gln115Pro (NM_001321135.2); c.317A>C, p.Gln106Pro (NM_001321136.2); c.539A>C, p.Gln180Pro (NM_001321137.1); short protein forms Q106P, Q115P, Q180P.
Identifiers: ClinVar variation 1021699 (VCV001021699.8), dbSNP rs2076261726, ClinGen allele CA393519072.